The following is an entry in ClinVar:

ClinVar aggregate classification (germline): Uncertain significance (1 of 4 stars; one submission).

Conditions:
Familial adenomatous polyposis 1 (FAP1). Also called: FAMILIAL ADENOMATOUS POLYPOSIS 1, ATTENUATED; POLYPOSIS, ADENOMATOUS INTESTINAL. Identifiers: MedGen C2713442, MONDO:0021056, OMIM 175100. Disease mechanism: loss of function.

Allele frequency attached by ClinVar (database versions not stated): gnomAD 0.00001.
gnomAD v4.1: 1 of 514,586 alleles (0.00019%); highest among the groups gnomAD compares: Admixed American, 0.0032%; no homozygotes.

Submission:

Labcorp Genetics (formerly Invitae), Labcorp
Classification: Uncertain significance for Familial adenomatous polyposis 1. Last evaluated: 2020-11-11. Review status: criteria provided, single submitter. Criteria: Invitae Variant Classification Sherloc (09022015). Collection method: clinical testing. Allele origin: germline.
Comment: This variant occurs in a non-coding region of the APC gene. It does not change the encoded amino acid sequence of the APC protein. The frequency data for this variant in the population databases is considered unreliable, as metrics indicate insufficient coverage at this position in the ExAC database. This variant has not been reported in the literature in individuals with APC-related conditions. Experimental studies and prediction algorithms are not available or were not evaluated, and the functional significance of this variant is currently unknown. In summary, the available evidence is currently insufficient to determine the role of this variant in disease. Therefore, it has been classified as a Variant of Uncertain Significance.

NM_001127511.3(APC):c.-179A>G

Gene: APC (APC regulator of Wnt signaling pathway; plus strand). Cytogenetic location: 5q22.2.
Variant type: single nucleotide variant.
Coding change: c.-179A>G on transcript NM_001127511.3; 179 bases upstream of the start codon, A replaced by G.
Molecular consequence: 5 prime UTR variant. On other transcripts: non-coding transcript variant (2).
Genome position (GRCh38, 1-based): chr5:112,707,539, A>G. VCF-style: chr5-112707539-A-G. GRCh37 (hg19) VCF-style: chr5-112043236-A-G.
Other names: c.-362A>G (NM_001354895.2, NM_001407447.1, NM_001407452.1 and 3 more transcripts); c.-179A>G (NM_001354897.2, NM_001354902.2, NM_001407446.1); c.-129A>G (NM_001407448.1, NM_001407450.1, NM_001407457.1 and 1 more transcripts); c.-153A>G (NM_001407453.1); c.-1397A>G (NM_001407470.1, NM_001407472.1).
Identifiers: ClinVar variation 1422084 (VCV001422084.6), dbSNP rs1750573131, ClinGen allele CA1080214738.
Genomic context (GRCh38, chr5:112,707,539, plus strand): 5'-CAACACCTCTCACGCATGCGCATTGTAGTCTTCCCACCTCCCACAAGATGGCGGAGGGCA[A>G]GTAGCAAGGGGGCGGGGTGTGGCCGCCGGAAGCCTAGCCGCTGCTCGGGGGGGACCTGCG-3'